The following is an entry in ClinVar:

NM_018557.3(LRP1B):c.1944A>G (p.Arg648=)

Gene: LRP1B (LDL receptor related protein 1B; minus strand). Cytogenetic location: 2q22.1.
Variant type: single nucleotide variant.
Coding change: c.1944A>G on transcript NM_018557.3 (MANE Select); coding-DNA position 1944, A replaced by G.
Protein change: p.Arg648=; no amino-acid change (arginine 648 retained).
Molecular consequence: synonymous variant.
Genome position (GRCh38, 1-based): chr2:141,019,948, T>C on the plus strand (A>G on the coding strand, the complement: LRP1B is on the minus strand). VCF-style: chr2-141019948-T-C. GRCh37 (hg19) VCF-style: chr2-141777517-T-C.
Identifiers: ClinVar variation 3049481 (VCV003049481.2), dbSNP rs760815725, ClinGen allele CA1895887.

ClinVar aggregate classification (germline): Likely benign (0 of 4 stars; one submission).

Conditions:
LRP1B-related disorder. Also called: LRP1B-related condition.

Allele frequency attached by ClinVar (database versions not stated): ExAC 0.00001; gnomAD 0.00001; gnomAD exomes 0.00001; TOPMed 0.00001.
gnomAD v4.1: 18 of 1,608,238 alleles (0.0011%); highest among the groups gnomAD compares: Middle Eastern, 0.066%; no homozygotes.

Submission:

PreventionGenetics, part of Exact Sciences
Classification: Likely benign for LRP1B-related condition. Last evaluated: 2019-07-23. Review status: no assertion criteria provided. Collection method: clinical testing. Allele origin: germline.
Comment: This variant is classified as likely benign based on ACMG/AMP sequence variant interpretation guidelines (Richards et al. 2015 PMID: 25741868, with internal and published modifications).